The following is an entry in ClinVar:

NM_004281.4(BAG3):c.1531C>T (p.Gln511Ter)

Gene: BAG3 (BAG cochaperone 3; plus strand). Cytogenetic location: 10q26.11.
Variant type: single nucleotide variant.
Coding change: c.1531C>T on transcript NM_004281.4 (MANE Select); coding-DNA position 1531, C replaced by T.
Protein change: p.Gln511Ter; replaces glutamine 511 with a stop codon.
Molecular consequence: nonsense.
Genome position (GRCh38, 1-based): chr10:119,677,085, C>T. VCF-style: chr10-119677085-C-T. GRCh37 (hg19) VCF-style: chr10-121436597-C-T.
Other names: short protein forms Q511*.
Identifiers: ClinVar variation 1371223 (VCV001371223.6), dbSNP rs781630937, ClinGen allele CA378297526.
Genomic context (GRCh38, chr10:119,677,085, plus strand): 5'-TTGGAAAAACTTGAACAGAAAGCCATTGATGTCCCAGGTCAAGTCCAGGTCTATGAACTC[C>T]AGCCCAGCAACCTTGAAGCAGATCAGCCACTGCAGGCAATCATGGAGATGGGTGCCGTGG-3'

ClinVar aggregate classification (germline): Uncertain significance (1 of 4 stars; one submission).

Conditions:
Myofibrillar myopathy 6. Identifiers: Orphanet 199340, MedGen C2751831, MONDO:0013061, OMIM 612954.
Dilated cardiomyopathy 1HH (CMD1HH). Identifiers: Orphanet 154, MedGen C3151293, MONDO:0013479, OMIM 613881.

Submission:

Labcorp Genetics (formerly Invitae), Labcorp
Classification: Uncertain significance for Dilated cardiomyopathy 1HH; Myofibrillar myopathy 6. Last evaluated: 2022-11-15. Review status: criteria provided, single submitter. Criteria: Invitae Variant Classification Sherloc (09022015). Collection method: clinical testing. Allele origin: germline.
Comment: This variant has not been reported in the literature in individuals affected with BAG3-related conditions. In summary, the available evidence is currently insufficient to determine the role of this variant in disease. Therefore, it has been classified as a Variant of Uncertain Significance. ClinVar contains an entry for this variant (Variation ID: 1371223). This variant is not present in population databases (gnomAD no frequency). This sequence change creates a premature translational stop signal (p.Gln511*) in the BAG3 gene. While this is not anticipated to result in nonsense mediated decay, it is expected to disrupt the last 65 amino acid(s) of the BAG3 protein.